The following is an entry in ClinVar:

ClinVar aggregate classification (oncogenicity): Uncertain significance (1 of 4 stars; one submission).

Conditions:
Meningioma. Also called: Meningioma, somatic. Identifiers: Orphanet 2495, MedGen C0025286, MONDO:0016642, HP:0002858.

Submission:

Dr. Guy Rouleau's laboratory, McGill University
Classification: Uncertain significance for Meningioma. Last evaluated: 2025-03-30. Review status: criteria provided, single submitter. Criteria: ClinGen/CGC/VICC Guidelines for Oncogenicity, 2022. Collection method: research. Allele origin: somatic. Affected: yes.
Comment: This intronic variant (c.402-3del) involves the deletion of a single nucleotide at position -3, before coding exon 3 of the CSMD3 gene. It was identified in a paired tumor-blood sequencing study of meningiomas. This variant has also been reported in population database gnomAD v2.1.1, with an allele frequency of 0.000003994 and an exome coverage of 63X. Due to insufficient evidence, the clinical significance of this variant remains unknown.

NM_198123.2(CSMD3):c.402-3del

Gene: CSMD3 (CUB and Sushi multiple domains 3; minus strand). Cytogenetic location: 8q23.3.
Variant type: Deletion.
Coding change: c.402-3del on transcript NM_198123.2 (MANE Select); 3 bases into the intron before coding-DNA position 402, one base deleted (T; older notation c.402-3delT).
Molecular consequence: intron variant.
Genome position (GRCh38, 1-based): chr8:113,278,707, A deleted on the plus strand (T on the coding strand, the reverse complement: CSMD3 is on the minus strand); the first of 4 consecutive A bases (chr8:113,278,707-113,278,710); deleting any one gives the same sequence. VCF-style (leftmost placement, unchanged base first): chr8-113278706-TA-T. GRCh37 (hg19) VCF-style: chr8-114290935-TA-T.
Other names: c.402-3del (NM_001363185.1, NM_052900.3); c.282-3del (NM_198124.2).
Identifiers: ClinVar variation 3897732 (VCV003897732.1), dbSNP rs1215135844.